The following is an entry in ClinVar:

NM_015047.3(EMC1):c.19T>C (p.Ser7Pro)

Gene: EMC1 (ER membrane protein complex subunit 1; minus strand). Cytogenetic location: 1p36.13.
Variant type: single nucleotide variant.
Coding change: c.19T>C on transcript NM_015047.3 (MANE Select); coding-DNA position 19, T replaced by C.
Protein change: p.Ser7Pro; replaces serine 7 with proline.
Molecular consequence: missense variant.
Genome position (GRCh38, 1-based): chr1:19,251,491, A>G on the plus strand (T>C on the coding strand, the complement: EMC1 is on the minus strand). VCF-style: chr1-19251491-A-G. GRCh37 (hg19) VCF-style: chr1-19577985-A-G.
Other names: c.19T>C, p.Ser7Pro (NM_001271427.2, NM_001271428.2, NM_001271429.2 and 2 more transcripts); c.19T>C (NM_015047.1); short protein forms S7P.
Identifiers: ClinVar variation 968692 (VCV000968692.8), dbSNP rs370530522, ClinGen allele CA18827917.

ClinVar aggregate classification (germline): Uncertain significance. Review status: criteria provided, multiple submitters, no conflicts (2 of 4 stars). 2 submissions from 2 submitters: Uncertain significance (2). Last evaluated 2025-03-31.

Conditions:
Inborn genetic diseases. Identifiers: MedGen C0950123, MeSH D030342.

Allele frequency attached by ClinVar (database versions not stated): gnomAD exomes 0.00001 and 0.00003; gnomAD 0.00002; TOPMed 0.00003; ESP Exome Variant Server 0.00008.
gnomAD v4.1: 14 of 1,614,036 alleles (0.00087%); highest among the groups gnomAD compares: Admixed American, 0.013%; no homozygotes.

Submissions (2):

Labcorp Genetics (formerly Invitae), Labcorp
Classification: Uncertain significance. Last evaluated: 2025-03-31. Review status: criteria provided, single submitter. Criteria: Invitae Variant Classification Sherloc (09022015). Collection method: clinical testing. Allele origin: germline.
Comment: This sequence change replaces serine, which is neutral and polar, with proline, which is neutral and non-polar, at codon 7 of the EMC1 protein (p.Ser7Pro). This variant is present in population databases (rs370530522, gnomAD 0.02%). This variant has not been reported in the literature in individuals affected with EMC1-related conditions. ClinVar contains an entry for this variant (Variation ID: 968692). An algorithm developed to predict the effect of missense changes on protein structure and function (PolyPhen-2) suggests that this variant is likely to be tolerated. In summary, the available evidence is currently insufficient to determine the role of this variant in disease. Therefore, it has been classified as a Variant of Uncertain Significance.

Ambry Genetics
Classification: Uncertain significance for Inborn genetic diseases. Last evaluated: 2024-11-25. Review status: criteria provided, single submitter. Criteria: Ambry Variant Classification Scheme 2023. Collection method: clinical testing. Allele origin: germline.